The following is an entry in ClinVar:

ClinVar aggregate classification (germline): Uncertain significance (1 of 4 stars; one submission).

gnomAD v4.1: 2 of 1,313,486 alleles (0.00015%); highest among the groups gnomAD compares: Non-Finnish European, 0.00019%; no homozygotes.

Submission:

Ambry Genetics
Classification: Uncertain significance. Last evaluated: 2025-04-17. Review status: criteria provided, single submitter. Criteria: Ambry Variant Classification Scheme 2023. Collection method: clinical testing. Allele origin: germline.
Comment: The p.A114T variant (also known as c.340G>A), located in coding exon 1 of the WNK2 gene, results from a G to A substitution at nucleotide position 340. The alanine at codon 114 is replaced by threonine, an amino acid with similar properties. This amino acid position is conserved. In addition, this alteration is predicted to be tolerated by in silico analysis. Based on the available evidence, the clinical significance of this variant remains unclear.

NM_006648.4(WNK2):c.340G>A (p.Ala114Thr)

Gene: WNK2 (WNK lysine deficient protein kinase 2; plus strand). Cytogenetic location: 9q22.31.
Variant type: single nucleotide variant.
Coding change: c.340G>A on transcript NM_006648.4 (MANE Select); coding-DNA position 340, G replaced by A.
Protein change: p.Ala114Thr; replaces alanine 114 with threonine.
Molecular consequence: missense variant.
Genome position (GRCh38, 1-based): chr9:93,185,269, G>A. VCF-style: chr9-93185269-G-A. GRCh37 (hg19) VCF-style: chr9-95947551-G-A.
Other names: c.340G>A, p.Ala114Thr (NM_001282394.3); short protein forms A114T.
Identifiers: ClinVar variation 3981896 (VCV003981896.1).